The following is an entry in ClinVar:

ClinVar aggregate classification (germline): Conflicting classifications of pathogenicity. Review status: criteria provided, conflicting classifications (1 of 4 stars). 5 submissions from 5 submitters: Uncertain significance (1); Likely benign (3). 1 of the submissions does not count toward it. Last evaluated 2026-01-06.

Conditions:
CRB2-related disorder. Also called: CRB2-related condition; CRB2-related disorders.
Inborn genetic diseases. Identifiers: MedGen C0950123, MeSH D030342.

Allele frequency attached by ClinVar (database versions not stated): gnomAD exomes 0.00011 and 0.00035; ExAC 0.00043; gnomAD 0.00134 and 0.00142; TOPMed 0.00144; ESP Exome Variant Server 0.00161; 1000 Genomes Project 30x 0.00172; 1000 Genomes Project 0.00180.
gnomAD v4.1: 361 of 1,613,506 alleles (0.022%); highest among the groups gnomAD compares: African/African-American, 0.44%; no homozygotes.

Submissions (5):

Labcorp Genetics (formerly Invitae), Labcorp
Classification: Likely benign. Last evaluated: 2026-01-06. Review status: criteria provided, single submitter. Criteria: Invitae Variant Classification Sherloc (09022015). Collection method: clinical testing. Allele origin: germline.

Mayo Clinic Laboratories, Mayo Clinic
Classification: Likely benign. Last evaluated: 2025-09-19. Review status: criteria provided, single submitter. Criteria: ACMG Guidelines, 2015. Collection method: clinical testing. Allele origin: germline. Observed: 1 variant allele.
Comment: BS1

Genetic Services Laboratory, University of Chicago
Classification: Uncertain significance. Last evaluated: 2024-10-08. Review status: criteria provided, single submitter. Criteria: ACMG Guidelines, 2015. Collection method: clinical testing. Allele origin: germline. Affected: no.
Comment: DNA sequence analysis of the CRB2 gene demonstrated a sequence change, c.1453G>C, in exon 7 that results in an amino acid change, p.Glu485Gln. This sequence change has been described in the gnomAD database with a frequency of 0.49755% in the African/African American subpopulation (dbSNP rs138853172). The p.Glu485Gln change affects a moderately conserved amino acid residue located in a domain of the CRB2 protein that is known to be functional. In-silico pathogenicity prediction tools (SIFT, PolyPhen2, Align GVGD, REVEL) provide contradictory results for the p.Glu485Gln substitution. This sequence change does not appear to have been previously described in individuals with CRB2-related disorders. Due to insufficient evidences and the lack of functional studies, the clinical significance of the p.Glu485Gln change remains unknown at this time.

Ambry Genetics
Classification: Likely benign for Inborn genetic diseases. Last evaluated: 2021-07-27. Review status: criteria provided, single submitter. Criteria: Ambry Variant Classification Scheme 2023. Collection method: clinical testing. Allele origin: germline.

PreventionGenetics, part of Exact Sciences
Classification: Likely benign for CRB2-related condition. Last evaluated: 2022-03-04. Review status: no assertion criteria provided. Collection method: clinical testing. Allele origin: germline. Not counted in ClinVar's aggregate classification.
Comment: This variant is classified as likely benign based on ACMG/AMP sequence variant interpretation guidelines (Richards et al. 2015 PMID: 25741868, with internal and published modifications).

NM_173689.7(CRB2):c.1453G>C (p.Glu485Gln)

Gene: CRB2 (crumbs cell polarity complex component 2; plus strand). Cytogenetic location: 9q33.3.
Variant type: single nucleotide variant.
Coding change: c.1453G>C on transcript NM_173689.7 (MANE Select); coding-DNA position 1453, G replaced by C.
Protein change: p.Glu485Gln; replaces glutamic acid 485 with glutamine.
Molecular consequence: missense variant. On other transcripts: non-coding transcript variant (1).
Genome position (GRCh38, 1-based): chr9:123,370,506, G>C. VCF-style: chr9-123370506-G-C. GRCh37 (hg19) VCF-style: chr9-126132785-G-C.
Other names: p.Glu485Gln; c.1453G>C (NM_173689.6, NM_173689.5); short protein forms E485Q.
Identifiers: ClinVar variation 1108914 (VCV001108914.15), dbSNP rs138853172, ClinGen allele CA5231976.